The following is an entry in ClinVar:

NM_000368.5(TSC1):c.74dup (p.Thr26fs)

Gene: TSC1 (TSC complex subunit 1; minus strand). Cytogenetic location: 9q34.13.
Variant type: Duplication.
Coding change: c.74dup on transcript NM_000368.5 (MANE Select); coding-DNA position 74, one base duplicated (T; older notation c.74dupT).
Protein change: p.Thr26fs; shifts the reading frame from threonine 26.
Molecular consequence: frameshift variant. On other transcripts: 5 prime UTR variant (1).
Genome position (GRCh38, 1-based): chr9:132,928,799, A duplicated on the plus strand (T on the coding strand, the reverse complement: TSC1 is on the minus strand). VCF-style (leftmost placement, unchanged base first): chr9-132928798-C-CA. GRCh37 (hg19) VCF-style: chr9-135804185-C-CA.
Other names: c.74dupT (NM_000368.4); c.74dup, p.Thr26fs (NM_001162426.2, NM_001162427.2); c.-186dup (NM_001362177.2); c.74dup (NM_000368.4); short protein forms T26fs.
Identifiers: ClinVar variation 280821 (VCV000280821.6), dbSNP rs886041959, ClinGen allele CA10603113.

ClinVar aggregate classification (germline): Pathogenic. Review status: criteria provided, multiple submitters, no conflicts (2 of 4 stars). 2 submissions from 2 submitters: Pathogenic (2). Last evaluated 2024-05-14.

Conditions:
Tuberous sclerosis 1 (TSC1). Identifiers: Orphanet 805, MedGen C1854465, MONDO:0008612, OMIM 191100.

Submissions (2):

GeneDx
Classification: Pathogenic. Last evaluated: 2024-05-14. Review status: criteria provided, single submitter. Criteria: GeneDx Variant Classification Process June 2021. Collection method: clinical testing. Allele origin: germline. Affected: yes.
Comment: Frameshift variant predicted to result in protein truncation or nonsense mediated decay in a gene for which loss of function is a known mechanism of disease; Not observed at significant frequency in large population cohorts (gnomAD); Has not been previously published as pathogenic or benign to our knowledge

Labcorp Genetics (formerly Invitae), Labcorp
Classification: Pathogenic for Tuberous sclerosis 1. Last evaluated: 2023-04-11. Review status: criteria provided, single submitter. Criteria: Invitae Variant Classification Sherloc (09022015). Collection method: clinical testing. Allele origin: germline.
Comment: This sequence change creates a premature translational stop signal (p.Thr26Aspfs*5) in the TSC1 gene. It is expected to result in an absent or disrupted protein product. Loss-of-function variants in TSC1 are known to be pathogenic (PMID: 10227394, 17304050). This variant is not present in population databases (gnomAD no frequency). For these reasons, this variant has been classified as Pathogenic. ClinVar contains an entry for this variant (Variation ID: 280821). This variant has not been reported in the literature in individuals affected with TSC1-related conditions.

Literature cited by the submitters: PubMed 10227394 (cited by Labcorp Genetics (formerly Invitae), Labcorp); PubMed 17304050 (cited by Labcorp Genetics (formerly Invitae), Labcorp).